The following is an entry in ClinVar:

ClinVar aggregate classification (germline): Uncertain significance (1 of 4 stars; one submission).

Allele frequency attached by ClinVar (database versions not stated): gnomAD 0.00001.
gnomAD v4.1: 25 of 1,613,954 alleles (0.0015%); highest among the groups gnomAD compares: East Asian, 0.0045%; no homozygotes.

Submission:

Labcorp Genetics (formerly Invitae), Labcorp
Classification: Uncertain significance. Last evaluated: 2025-11-03. Review status: criteria provided, single submitter. Criteria: Invitae Variant Classification Sherloc (09022015). Collection method: clinical testing. Allele origin: germline.
Comment: This sequence change replaces arginine, which is basic and polar, with glutamine, which is neutral and polar, at codon 4512 of the HMCN1 protein (p.Arg4512Gln). This variant is not present in population databases (gnomAD no frequency). This variant has not been reported in the literature in individuals affected with HMCN1-related conditions. ClinVar contains an entry for this variant (Variation ID: 1897492). An algorithm developed to predict the effect of missense changes on protein structure and function (PolyPhen-2) suggests that this variant is likely to be disruptive. In summary, the available evidence is currently insufficient to determine the role of this variant in disease. Therefore, it has been classified as a Variant of Uncertain Significance.

NM_031935.3(HMCN1):c.13535G>A (p.Arg4512Gln)

Gene: HMCN1 (hemicentin 1; plus strand). Cytogenetic location: 1q31.1.
Variant type: single nucleotide variant.
Coding change: c.13535G>A on transcript NM_031935.3 (MANE Select); coding-DNA position 13535, G replaced by A.
Protein change: p.Arg4512Gln; replaces arginine 4512 with glutamine.
Molecular consequence: missense variant.
Genome position (GRCh38, 1-based): chr1:186,136,890, G>A. VCF-style: chr1-186136890-G-A. GRCh37 (hg19) VCF-style: chr1-186106022-G-A.
Other names: short protein forms R4512Q.
Identifiers: ClinVar variation 1897492 (VCV001897492.5), dbSNP rs1473563507, ClinGen allele CA343911026.